The following is an entry in ClinVar:

ClinVar aggregate classification (germline): Conflicting classifications of pathogenicity. Review status: criteria provided, conflicting classifications (1 of 4 stars). 2 submissions from 2 submitters: Pathogenic (1); Uncertain significance (1). Last evaluated 2024-09-30.

Conditions:
Joubert syndrome. Also called: Familial aplasia of the vermis; JOUBERT-BOLTSHAUSER SYNDROME. Identifiers: Orphanet 475, MedGen C5979921, MONDO:0018772.
Orofaciodigital syndrome I (OFD1). Also called: Papillon-Leage and Psaume Syndrome; Oral-Facial-Digital Syndrome Type I; OFDS I. Identifiers: Orphanet 2750, MedGen C1510460, MONDO:0010702, OMIM 311200.

Submissions (2):

Labcorp Genetics (formerly Invitae), Labcorp
Classification: Pathogenic for Orofaciodigital syndrome I; Joubert syndrome. Last evaluated: 2024-09-30. Review status: criteria provided, single submitter. Criteria: Invitae Variant Classification Sherloc (09022015). Collection method: clinical testing. Allele origin: germline.
Comment: This sequence change falls in intron 4 of the OFD1 gene. It does not directly change the encoded amino acid sequence of the OFD1 protein. This variant is not present in population databases (gnomAD no frequency). This variant has been observed in individual(s) with Joubert syndrome (internal data). In at least one individual the variant was observed to be de novo. Algorithms developed to predict the effect of sequence changes on RNA splicing suggest that this variant may disrupt the consensus splice site. For these reasons, this variant has been classified as Pathogenic.

Blueprint Genetics
Classification: Uncertain significance. Last evaluated: 2023-08-31. Review status: criteria provided, single submitter. Criteria: ACMG Guidelines, 2015. Collection method: clinical testing. Allele origin: germline.

NM_003611.3(OFD1):c.382-10_382-6del

Gene: OFD1 (OFD1 centriole and centriolar satellite protein; plus strand). Cytogenetic location: Xp22.2.
Variant type: Deletion.
Coding change: c.382-10_382-6del on transcript NM_003611.3 (MANE Select); 10 bases into the intron before coding-DNA position 382 through 6 bases into the intron before coding-DNA position 382, 5 bases deleted (CTTTT; older notation c.382-10_382-6delCTTTT).
Molecular consequence: intron variant.
Genome position (GRCh38, 1-based): chrX:13,738,992-13,738,996, CTTTT deleted; deleting any 5 consecutive bases within chrX:13,738,988-13,738,996 gives the same sequence; the c. name uses the placement nearest the transcript's 3' end. VCF-style (leftmost placement, unchanged base first): chrX-13738987-ATTTTC-A. GRCh37 (hg19) VCF-style: chrX-13757106-ATTTTC-A.
Other names: c.-164-10_-164-6del (NM_001330210.2); c.382-10_382-6del (NM_001330209.2).
Identifiers: ClinVar variation 2949268 (VCV002949268.4), dbSNP rs2518777731, ClinGen allele CA2740092014.